The following is an entry in ClinVar:

NM_138346.3(KIAA2013):c.1625C>T (p.Thr542Ile)

Gene: KIAA2013 (KIAA2013; minus strand). Cytogenetic location: 1p36.22.
Variant type: single nucleotide variant.
Coding change: c.1625C>T on transcript NM_138346.3 (MANE Select); coding-DNA position 1625, C replaced by T.
Protein change: p.Thr542Ile; replaces threonine 542 with isoleucine.
Molecular consequence: missense variant.
Genome position (GRCh38, 1-based): chr1:11,922,898, G>A on the plus strand (C>T on the coding strand, the complement: KIAA2013 is on the minus strand). VCF-style: chr1-11922898-G-A. GRCh37 (hg19) VCF-style: chr1-11982955-G-A.
Other names: short protein forms T542I.
Identifiers: ClinVar variation 2638242 (VCV002638242.24), dbSNP rs35073764, ClinGen allele CA597428.

ClinVar aggregate classification (germline): Likely benign (1 of 4 stars; one submission).

Allele frequency attached by ClinVar (database versions not stated): 1000 Genomes Project 0.00180; 1000 Genomes Project 30x 0.00187; TOPMed 0.00384; ExAC 0.00407; gnomAD 0.00409; ESP Exome Variant Server 0.00418.
gnomAD v4.1: 9,632 of 1,612,046 alleles (0.6%); highest among the groups gnomAD compares: Non-Finnish European, 0.73%; 32 homozygotes.

Submission:

CeGaT Center for Human Genetics Tuebingen
Classification: Likely benign. Last evaluated: 2023-02-01. Review status: criteria provided, single submitter. Criteria: CeGaT Center For Human Genetics Tuebingen Variant Classification Criteria Version 2. Collection method: clinical testing. Allele origin: germline. Affected: yes. Observed: 1 variant allele.
Comment: KIAA2013: BS2